The following is an entry in ClinVar:

ClinVar aggregate classification (germline): Uncertain significance (1 of 4 stars; one submission).

Conditions:
Cardiovascular phenotype. Identifiers: MedGen CN230736.
Hereditary cancer-predisposing syndrome. Also called: Tumor predisposition; Neoplastic Syndromes, Hereditary; Hereditary Cancer Syndrome; Hereditary neoplastic syndrome. Identifiers: Orphanet 140162, MedGen C0027672, MeSH D009386, MONDO:0015356.

Submission:

Ambry Genetics
Classification: Uncertain significance for Cardiovascular phenotype; Hereditary cancer-predisposing syndrome. Last evaluated: 2025-02-13. Review status: criteria provided, single submitter. Criteria: Ambry Variant Classification Scheme 2023. Collection method: clinical testing. Allele origin: germline.
Comment: The p.D1116V variant (also known as c.3347A>T), located in coding exon 26 of the NF1 gene, results from an A to T substitution at nucleotide position 3347. The aspartic acid at codon 1116 is replaced by valine, an amino acid with highly dissimilar properties. This amino acid position is conserved. In addition, the in silico prediction for this alteration is inconclusive. Based on the available evidence, the clinical significance of this variant remains unclear.

NM_001042492.3(NF1):c.3347A>T (p.Asp1116Val)

Gene: NF1 (neurofibromin 1; plus strand). Cytogenetic location: 17q11.2.
Variant type: single nucleotide variant.
Coding change: c.3347A>T on transcript NM_001042492.3 (MANE Select); coding-DNA position 3347, A replaced by T.
Protein change: p.Asp1116Val; replaces aspartic acid 1116 with valine.
Molecular consequence: missense variant.
Genome position (GRCh38, 1-based): chr17:31,232,732, A>T. VCF-style: chr17-31232732-A-T. GRCh37 (hg19) VCF-style: chr17-29559750-A-T.
Other names: c.3347A>T, p.Asp1116Val (NM_000267.4); short protein forms D1116V.
Identifiers: ClinVar variation 3879107 (VCV003879107.1).